The following is an entry in ClinVar:

ClinVar aggregate classification (germline): Uncertain significance (1 of 4 stars; one submission).

Submission:

Labcorp Genetics (formerly Invitae), Labcorp
Classification: Uncertain significance. Last evaluated: 2024-04-29. Review status: criteria provided, single submitter. Criteria: Invitae Variant Classification Sherloc (09022015). Collection method: clinical testing. Allele origin: germline.
Comment: This sequence change replaces aspartic acid, which is acidic and polar, with glutamic acid, which is acidic and polar, at codon 124 of the CTF1 protein (p.Asp124Glu). The frequency data for this variant in the population databases is considered unreliable, as metrics indicate insufficient coverage at this position in the gnomAD database. This variant has not been reported in the literature in individuals affected with CTF1-related conditions. ClinVar contains an entry for this variant (Variation ID: 1503539). Algorithms developed to predict the effect of missense changes on protein structure and function output the following: SIFT: "Not Available"; PolyPhen-2: "Possibly Damaging"; Align-GVGD: "Not Available". The glutamic acid amino acid residue is found in multiple mammalian species, which suggests that this missense change does not adversely affect protein function. In summary, the available evidence is currently insufficient to determine the role of this variant in disease. Therefore, it has been classified as a Variant of Uncertain Significance.

NM_001330.5(CTF1):c.372C>G (p.Asp124Glu)

Genes: CTF1 (cardiotrophin 1; plus strand), LOC130058878 (ATAC-STARR-seq lymphoblastoid silent region 7400; plus strand). Cytogenetic location: 16p11.2.
Variant type: single nucleotide variant.
Coding change: c.372C>G on transcript NM_001330.5 (MANE Select); coding-DNA position 372, C replaced by G.
Protein change: p.Asp124Glu; replaces aspartic acid 124 with glutamic acid.
Molecular consequence: missense variant. On other transcripts: non-coding transcript variant (1).
Genome position (GRCh38, 1-based): chr16:30,902,305, C>G. VCF-style: chr16-30902305-C-G. GRCh37 (hg19) VCF-style: chr16-30913626-C-G.
Other names: c.369C>G, p.Asp123Glu (NM_001142544.3); short protein forms D123E, D124E.
Identifiers: ClinVar variation 1503539 (VCV001503539.6), dbSNP rs2143246245, ClinGen allele CA395619004.